The following is an entry in ClinVar:

NM_000038.6(APC):c.*5G>C

Gene: APC (APC regulator of Wnt signaling pathway; plus strand). Cytogenetic location: 5q22.2.
Variant type: single nucleotide variant.
Coding change: c.*5G>C on transcript NM_000038.6 (MANE Select); 5 bases downstream of the stop codon, G replaced by C.
Molecular consequence: 3 prime UTR variant.
Genome position (GRCh38, 1-based): chr5:112,844,131, G>C. VCF-style: chr5-112844131-G-C. GRCh37 (hg19) VCF-style: chr5-112179828-G-C.
Other names: c.*5G>C (NM_001127510.3, NM_001127511.3, NM_001354895.2 and 11 more transcripts).
Identifiers: ClinVar variation 922885 (VCV000922885.6), dbSNP rs1766773164, ClinGen allele CA1139659008.

ClinVar aggregate classification (germline): Conflicting classifications of pathogenicity. Review status: criteria provided, conflicting classifications (1 of 4 stars). 2 submissions from 2 submitters: Uncertain significance (1); Benign (1). Last evaluated 2024-09-30.

Conditions:
Hereditary cancer-predisposing syndrome. Also called: Neoplastic Syndromes, Hereditary; Tumor predisposition; Hereditary Cancer Syndrome; Hereditary neoplastic syndrome. Identifiers: Orphanet 140162, MedGen C0027672, MeSH D009386, MONDO:0015356.
Familial adenomatous polyposis 1 (FAP1). Also called: FAMILIAL ADENOMATOUS POLYPOSIS 1, ATTENUATED; POLYPOSIS, ADENOMATOUS INTESTINAL. Identifiers: MedGen C2713442, MONDO:0021056, OMIM 175100. Disease mechanism: loss of function.

Allele frequency attached by ClinVar (database versions not stated): gnomAD exomes below 0.00001.
gnomAD v4.1: 3 of 1,606,140 alleles (0.00019%); highest among the groups gnomAD compares: Non-Finnish European, 0.000085%; no homozygotes.

Submissions (2):

Myriad Genetics, Inc.
Classification: Benign for Familial adenomatous polyposis 1. Last evaluated: 2024-09-30. Review status: criteria provided, single submitter. Criteria: Myriad Autosomal Dominant, Autosomal Recessive and X-Linked Classification Criteria (2023). Collection method: clinical testing. Allele origin: unknown.
Comment: This variant is considered benign. This variant occurs in the non-coding 3' untranslated region of the gene, and is not expected to impact protein function.

Color Diagnostics, LLC DBA Color Health
Classification: Uncertain significance for Hereditary cancer-predisposing syndrome. Last evaluated: 2023-04-11. Review status: criteria provided, single submitter. Criteria: ACMG Guidelines, 2015. Collection method: clinical testing. Allele origin: germline.
Comment: This variant is located in the 3' untranslated region of the APC protein. To our knowledge, functional studies have not been performed for this variant. This variant has not been reported in individuals affected with hereditary cancer in the literature. This variant has not been identified in the general population by the Genome Aggregation Database (gnomAD). The available evidence is insufficient to determine the role of this variant in disease conclusively. Therefore, this variant is classified as a Variant of Uncertain Significance.